The following is an entry in ClinVar:

ClinVar aggregate classification (germline): Uncertain significance (1 of 4 stars; one submission).

Conditions:
Spermatogenic failure 18. Identifiers: MedGen C4539783, MONDO:0054615, OMIM 617576.
Ciliary dyskinesia, primary, 37 (CILD37). Also called: CILIARY DYSKINESIA, PRIMARY, 37, WITH OR WITHOUT SITUS INVERSUS. Identifiers: MedGen C4539798, MONDO:0033204, OMIM 617577.

gnomAD v4.1: 1 of 1,613,604 alleles (0.000062%); highest among the groups gnomAD compares: Non-Finnish European, 0.000085%; no homozygotes.

Submission:

Labcorp Genetics (formerly Invitae), Labcorp
Classification: Uncertain significance for Ciliary dyskinesia, primary, 37; Spermatogenic failure 18. Last evaluated: 2018-03-24. Review status: criteria provided, single submitter. Criteria: Invitae Variant Classification Sherloc (09022015). Collection method: clinical testing. Allele origin: germline.
Comment: This variant is not present in population databases (ExAC no frequency). In summary, the available evidence is currently insufficient to determine the role of this variant in disease. Therefore, it has been classified as a Variant of Uncertain Significance. Algorithms developed to predict the effect of missense changes on protein structure and function do not agree on the potential impact of this missense change (SIFT: "Deleterious"; PolyPhen-2: "Benign"; Align-GVGD: "Class C0"). This variant has not been reported in the literature in individuals with DNAH1-related disease. This sequence change replaces arginine with serine at codon 570 of the DNAH1 protein (p.Arg570Ser). The arginine residue is moderately conserved and there is a moderate physicochemical difference between arginine and serine.

NM_015512.5(DNAH1):c.1708C>A (p.Arg570Ser)

Gene: DNAH1 (dynein axonemal heavy chain 1; plus strand). Cytogenetic location: 3p21.1.
Variant type: single nucleotide variant.
Coding change: c.1708C>A on transcript NM_015512.5 (MANE Select); coding-DNA position 1708, C replaced by A.
Protein change: p.Arg570Ser; replaces arginine 570 with serine.
Molecular consequence: missense variant.
Genome position (GRCh38, 1-based): chr3:52,346,523, C>A. VCF-style: chr3-52346523-C-A. GRCh37 (hg19) VCF-style: chr3-52380539-C-A.
Other names: short protein forms R570S.
Identifiers: ClinVar variation 570700 (VCV000570700.6), dbSNP rs184765148, ClinGen allele CA353092763.